The following is an entry in ClinVar:

ClinVar aggregate classification (germline): Uncertain significance (1 of 4 stars; one submission).

gnomAD v4.1: 1 of 1,569,048 alleles (0.000064%); highest among the groups gnomAD compares: East Asian, 0.0023%; no homozygotes.

Submission:

Labcorp Genetics (formerly Invitae), Labcorp
Classification: Uncertain significance. Last evaluated: 2022-08-05. Review status: criteria provided, single submitter. Criteria: Invitae Variant Classification Sherloc (09022015). Collection method: clinical testing. Allele origin: germline.
Comment: In summary, the available evidence is currently insufficient to determine the role of this variant in disease. Therefore, it has been classified as a Variant of Uncertain Significance. Algorithms developed to predict the effect of missense changes on protein structure and function output the following: SIFT: "Tolerated"; PolyPhen-2: "Benign"; Align-GVGD: "Class C0". The leucine amino acid residue is found in multiple mammalian species, which suggests that this missense change does not adversely affect protein function. This variant has not been reported in the literature in individuals affected with ATP5D-related conditions. This variant is not present in population databases (gnomAD no frequency). This sequence change replaces arginine, which is basic and polar, with leucine, which is neutral and non-polar, at codon 156 of the ATP5D protein (p.Arg156Leu).

NM_001687.5(ATP5F1D):c.467G>T (p.Arg156Leu)

Genes: ATP5F1D (ATP synthase F1 subunit delta; plus strand), LOC130062904 (ATAC-STARR-seq lymphoblastoid silent region 9674; plus strand). Cytogenetic location: 19p13.3.
Variant type: single nucleotide variant.
Coding change: c.467G>T on transcript NM_001687.5 (MANE Select); coding-DNA position 467, G replaced by T.
Protein change: p.Arg156Leu; replaces arginine 156 with leucine.
Molecular consequence: missense variant.
Genome position (GRCh38, 1-based): chr19:1,244,397, G>T. VCF-style: chr19-1244397-G-T. GRCh37 (hg19) VCF-style: chr19-1244396-G-T.
Other names: c.467G>T, p.Arg156Leu (NM_001001975.2); short protein forms R156L.
Identifiers: ClinVar variation 2021949 (VCV002021949.4), dbSNP rs762573715, ClinGen allele CA402982320.